The following is an entry in ClinVar:

ClinVar aggregate classification (germline): Uncertain significance. Review status: criteria provided, multiple submitters, no conflicts (2 of 4 stars). 2 submissions from 2 submitters: Uncertain significance (2). Last evaluated 2026-03-07.

Conditions:
Hereditary cancer-predisposing syndrome. Also called: Tumor predisposition; Hereditary Cancer Syndrome; Hereditary neoplastic syndrome; Neoplastic Syndromes, Hereditary. Identifiers: Orphanet 140162, MedGen C0027672, MeSH D009386, MONDO:0015356.
Gorlin syndrome. Also called: Basal cell nevus syndrome; Nevoid Basal Cell Carcinoma Syndrome. Identifiers: Orphanet 377, MedGen C0004779, MONDO:0007187.

Allele frequency attached by ClinVar (database versions not stated): gnomAD exomes below 0.00001.
gnomAD v4.1: 7 of 1,613,152 alleles (0.00043%); highest among the groups gnomAD compares: South Asian, 0.0011%; no homozygotes.

Submissions (2):

Ambry Genetics
Classification: Uncertain significance for Hereditary cancer-predisposing syndrome. Last evaluated: 2026-03-07. Review status: criteria provided, single submitter. Criteria: Ambry Variant Classification Scheme 2023. Collection method: clinical testing. Allele origin: germline.
Comment: The p.A1375T variant (also known as c.4123G>A), located in coding exon 23 of the PTCH1 gene, results from a G to A substitution at nucleotide position 4123. The alanine at codon 1375 is replaced by threonine, an amino acid with similar properties. This amino acid position is conserved. In addition, the in silico prediction for this alteration is inconclusive. Based on the available evidence, the clinical significance of this variant remains unclear.

Labcorp Genetics (formerly Invitae), Labcorp
Classification: Uncertain significance for Gorlin syndrome. Last evaluated: 2022-10-05. Review status: criteria provided, single submitter. Criteria: Invitae Variant Classification Sherloc (09022015). Collection method: clinical testing. Allele origin: germline.
Comment: In summary, the available evidence is currently insufficient to determine the role of this variant in disease. Therefore, it has been classified as a Variant of Uncertain Significance. Advanced modeling of protein sequence and biophysical properties (such as structural, functional, and spatial information, amino acid conservation, physicochemical variation, residue mobility, and thermodynamic stability) performed at Invitae indicates that this missense variant is not expected to disrupt PTCH1 protein function. This variant has not been reported in the literature in individuals affected with PTCH1-related conditions. This variant is present in population databases (no rsID available, gnomAD 0.0009%). This sequence change replaces alanine, which is neutral and non-polar, with threonine, which is neutral and polar, at codon 1375 of the PTCH1 protein (p.Ala1375Thr).

NM_000264.5(PTCH1):c.4123G>A (p.Ala1375Thr)

Gene: PTCH1 (patched 1; minus strand). Cytogenetic location: 9q22.32.
Variant type: single nucleotide variant.
Coding change: c.4123G>A on transcript NM_000264.5 (MANE Select); coding-DNA position 4123, G replaced by A.
Protein change: p.Ala1375Thr; replaces alanine 1375 with threonine.
Molecular consequence: missense variant. On other transcripts: non-coding transcript variant (1).
Genome position (GRCh38, 1-based): chr9:95,447,133, C>T on the plus strand (G>A on the coding strand, the complement: PTCH1 is on the minus strand). VCF-style: chr9-95447133-C-T. GRCh37 (hg19) VCF-style: chr9-98209415-C-T.
Other names: c.3670G>A, p.Ala1224Thr (NM_001083607.3, NM_001083604.3, NM_001083605.3 and 1 more transcripts); c.3967G>A, p.Ala1323Thr (NM_001354918.2); c.3925G>A, p.Ala1309Thr (NM_001083602.3); c.4120G>A, p.Ala1374Thr (NM_001083603.3); short protein forms A1224T, A1309T, A1323T, A1374T, A1375T.
Identifiers: ClinVar variation 1721020 (VCV001721020.7), dbSNP rs769022340, ClinGen allele CA374110272.